The following is an entry in ClinVar:

ClinVar aggregate classification (germline): Likely benign. Review status: criteria provided, multiple submitters, no conflicts (2 of 4 stars). 3 submissions from 3 submitters: Likely benign (3). Last evaluated 2025-05-19.

Conditions:
CRYGD-related disorder. Also called: CRYGD-related condition.
Aculeiform cataract (CTRCT4). Also called: Fasciculiform cataract; Frosted cataract; Needle-shaped cataract. Identifiers: MedGen C1861832, HP:0010926.

Allele frequency attached by ClinVar (database versions not stated): gnomAD 0.00009; gnomAD exomes 0.00009 and 0.00016; ExAC 0.00013; TOPMed 0.00014.

Submissions (3):

PreventionGenetics, part of Exact Sciences
Classification: Likely benign for CRYGD-related condition. Last evaluated: 2025-05-19. Review status: criteria provided, single submitter. Criteria: ACMG Guidelines, 2015. Collection method: clinical testing. Allele origin: germline.
Comment: This variant is classified as likely benign based on ACMG/AMP sequence variant interpretation guidelines (Richards et al. 2015 PMID: 25741868, with internal and published modifications).

Labcorp Genetics (formerly Invitae), Labcorp
Classification: Likely benign for Aculeiform cataract. Last evaluated: 2019-07-09. Review status: criteria provided, single submitter. Criteria: Invitae Variant Classification Sherloc (09022015). Collection method: clinical testing. Allele origin: germline.

Breakthrough Genomics
Classification: Likely benign. Review status: criteria provided, single submitter. Criteria: ACMG Guidelines, 2015. Collection method: not provided. Allele origin: germline. Inheritance: Autosomal dominant inheritance. Affected: yes.

NM_006891.4(CRYGD):c.240C>T (p.Arg80=)

Genes: CRYGD (crystallin gamma D; minus strand), LOC100507443 (uncharacterized LOC100507443; plus strand). Cytogenetic location: 2q33.3.
Variant type: single nucleotide variant.
Coding change: c.240C>T on transcript NM_006891.4 (MANE Select); coding-DNA position 240, C replaced by T.
Protein change: p.Arg80=; no amino-acid change (arginine 80 retained).
Molecular consequence: synonymous variant.
Genome position (GRCh38, 1-based): chr2:208,124,124, G>A on the plus strand (C>T on the coding strand, the complement: CRYGD is on the minus strand). VCF-style: chr2-208124124-G-A. GRCh37 (hg19) VCF-style: chr2-208988848-G-A.
Other names: c.240C>T (NM_006891.3).
Identifiers: ClinVar variation 1147525 (VCV001147525.11), dbSNP rs201111017, ClinGen allele CA2077700.